The following is an entry in ClinVar:

NM_006118.4(HAX1):c.670G>A (p.Glu224Lys)

Gene: HAX1 (HCLS1 associated protein X-1; plus strand). Cytogenetic location: 1q21.3.
Variant type: single nucleotide variant.
Coding change: c.670G>A on transcript NM_006118.4 (MANE Select); coding-DNA position 670, G replaced by A.
Protein change: p.Glu224Lys; replaces glutamic acid 224 with lysine.
Molecular consequence: missense variant.
Genome position (GRCh38, 1-based): chr1:154,275,399, G>A. VCF-style: chr1-154275399-G-A. GRCh37 (hg19) VCF-style: chr1-154247875-G-A.
Other names: c.526G>A, p.Glu176Lys (NM_001018837.2); short protein forms E224K, E176K.
Identifiers: ClinVar variation 3856866 (VCV003856866.1).

ClinVar aggregate classification (germline): Uncertain significance (1 of 4 stars; one submission).

Conditions:
Inborn genetic diseases. Identifiers: MedGen C0950123, MeSH D030342.

Submission:

Ambry Genetics
Classification: Uncertain significance for Inborn genetic diseases. Last evaluated: 2025-01-04. Review status: criteria provided, single submitter. Criteria: Ambry Variant Classification Scheme 2023. Collection method: clinical testing. Allele origin: germline.
Comment: The p.E224K variant (also known as c.670G>A), located in coding exon 6 of the HAX1 gene, results from a G to A substitution at nucleotide position 670. The glutamic acid at codon 224 is replaced by lysine, an amino acid with similar properties. This amino acid position is conserved. In addition, this alteration is predicted to be deleterious by in silico analysis. Based on the available evidence, the clinical significance of this variant remains unclear.